The following is an entry in ClinVar:

ClinVar aggregate classification (germline): Uncertain significance. Review status: criteria provided, multiple submitters, no conflicts (2 of 4 stars). 2 submissions from 2 submitters: Uncertain significance (2). Last evaluated 2021-12-19.

Allele frequency attached by ClinVar (database versions not stated): ExAC 0.00002; gnomAD exomes 0.00004.
gnomAD v4.1: 52 of 1,613,488 alleles (0.0032%); highest among the groups gnomAD compares: Non-Finnish European, 0.0044%; no homozygotes.

Submissions (2):

Labcorp Genetics (formerly Invitae), Labcorp
Classification: Uncertain significance. Last evaluated: 2021-12-19. Review status: criteria provided, single submitter. Criteria: Invitae Variant Classification Sherloc (09022015). Collection method: clinical testing. Allele origin: germline.
Comment: This sequence change replaces histidine, which is basic and polar, with glutamine, which is neutral and polar, at codon 548 of the USH2A protein (p.His548Gln). This variant is present in population databases (rs780727888, gnomAD 0.003%). This variant has not been reported in the literature in individuals affected with USH2A-related conditions. Algorithms developed to predict the effect of missense changes on protein structure and function output the following: SIFT: "Tolerated"; PolyPhen-2: "Benign"; Align-GVGD: "Class C0". The glutamine amino acid residue is found in multiple mammalian species, which suggests that this missense change does not adversely affect protein function. In summary, the available evidence is currently insufficient to determine the role of this variant in disease. Therefore, it has been classified as a Variant of Uncertain Significance.

Blueprint Genetics
Classification: Uncertain significance. Last evaluated: 2018-09-11. Review status: criteria provided, single submitter. Criteria: ACMG Guidelines, 2015. Collection method: clinical testing. Allele origin: germline.

NM_206933.4(USH2A):c.1644T>A (p.His548Gln)

Gene: USH2A (usherin; minus strand). Cytogenetic location: 1q41.
Variant type: single nucleotide variant.
Coding change: c.1644T>A on transcript NM_206933.4 (MANE Select); coding-DNA position 1644, T replaced by A.
Protein change: p.His548Gln; replaces histidine 548 with glutamine.
Molecular consequence: missense variant.
Genome position (GRCh38, 1-based): chr1:216,321,883, A>T on the plus strand (T>A on the coding strand, the complement: USH2A is on the minus strand). VCF-style: chr1-216321883-A-T. GRCh37 (hg19) VCF-style: chr1-216495225-A-T.
Other names: c.1644T>A, p.His548Gln (NM_007123.6); short protein forms H548Q.
Identifiers: ClinVar variation 2141488 (VCV002141488.2), dbSNP rs780727888, ClinGen allele CA1396453.